The following is an entry in ClinVar:

NM_000245.4(MET):c.3836G>A (p.Arg1279Lys)

Gene: MET (MET proto-oncogene, receptor tyrosine kinase; plus strand). Cytogenetic location: 7q31.2.
Variant type: single nucleotide variant.
Coding change: c.3836G>A on transcript NM_000245.4 (MANE Select); coding-DNA position 3836, G replaced by A.
Protein change: p.Arg1279Lys; replaces arginine 1279 with lysine.
Molecular consequence: missense variant.
Genome position (GRCh38, 1-based): chr7:116,795,692, G>A. VCF-style: chr7-116795692-G-A. GRCh37 (hg19) VCF-style: chr7-116435746-G-A.
Other names: c.3890G>A, p.Arg1297Lys (NM_001127500.3); c.2546G>A, p.Arg849Lys (NM_001324402.2); short protein forms R1279K, R1297K, R849K.
Identifiers: ClinVar variation 1735897 (VCV001735897.2), dbSNP rs2117107849, ClinGen allele CA369117802.

ClinVar aggregate classification (germline): Uncertain significance (1 of 4 stars; one submission).

Conditions:
Hereditary cancer-predisposing syndrome. Also called: Neoplastic Syndromes, Hereditary; Tumor predisposition; Hereditary Cancer Syndrome; Hereditary neoplastic syndrome. Identifiers: Orphanet 140162, MedGen C0027672, MeSH D009386, MONDO:0015356.

Allele frequency attached by ClinVar (database versions not stated): gnomAD exomes below 0.00001.
gnomAD v4.1: 1 of 1,614,110 alleles (0.000062%); highest among the groups gnomAD compares: South Asian, 0.0011%; no homozygotes.

Submission:

Ambry Genetics
Classification: Uncertain significance for Hereditary cancer-predisposing syndrome. Last evaluated: 2020-01-07. Review status: criteria provided, single submitter. Criteria: Ambry Variant Classification Scheme 2023. Collection method: clinical testing. Allele origin: germline.
Comment: The p.R1297K variant (also known as c.3890G>A), located in coding exon 19 of the MET gene, results from a G to A substitution at nucleotide position 3890. The arginine at codon 1297 is replaced by lysine, an amino acid with highly similar properties. This amino acid position is highly conserved in available vertebrate species. In addition, the in silico prediction for this alteration is inconclusive. Since supporting evidence is limited at this time, the clinical significance of this alteration remains unclear.